The following is an entry in ClinVar:

NM_015512.5(DNAH1):c.7739G>T (p.Gly2580Val)

Gene: DNAH1 (dynein axonemal heavy chain 1; plus strand). Cytogenetic location: 3p21.1.
Variant type: single nucleotide variant.
Coding change: c.7739G>T on transcript NM_015512.5 (MANE Select); coding-DNA position 7739, G replaced by T.
Protein change: p.Gly2580Val; replaces glycine 2580 with valine.
Molecular consequence: missense variant.
Genome position (GRCh38, 1-based): chr3:52,381,770, G>T. VCF-style: chr3-52381770-G-T. GRCh37 (hg19) VCF-style: chr3-52415786-G-T.
Other names: short protein forms G2580V.
Identifiers: ClinVar variation 839828 (VCV000839828.7), dbSNP rs1703856754, ClinGen allele CA353180359.
Genomic context (GRCh38, chr3:52,381,770, plus strand): 5'-TCTTCATGGACGCCATGAGCCACATCTGTCGCATCAGCCGCACCCTACGCCAGGCGCTGG[G>T]CAATGCACTCCTGCTGGGCGTGGGTGGCAGCGGCCGCAGCTCCCTCACAAGGCTCGCCTC-3'
Protein context (NP_056327.4, residues 2570-2590): RISRTLRQAL[Gly2580Val]NALLLGVGGS

ClinVar aggregate classification (germline): Uncertain significance (1 of 4 stars; one submission).

Conditions:
Spermatogenic failure 18. Identifiers: MedGen C4539783, MONDO:0054615, OMIM 617576.
Ciliary dyskinesia, primary, 37 (CILD37). Also called: CILIARY DYSKINESIA, PRIMARY, 37, WITH OR WITHOUT SITUS INVERSUS. Identifiers: MedGen C4539798, MONDO:0033204, OMIM 617577.

Allele frequency attached by ClinVar (database versions not stated): TOPMed below 0.00001; gnomAD 0.00001.

Submission:

Labcorp Genetics (formerly Invitae), Labcorp
Classification: Uncertain significance for Ciliary dyskinesia, primary, 37; Spermatogenic failure 18. Last evaluated: 2019-04-18. Review status: criteria provided, single submitter. Criteria: Invitae Variant Classification Sherloc (09022015). Collection method: clinical testing. Allele origin: germline.
Comment: This sequence change replaces glycine with valine at codon 2580 of the DNAH1 protein (p.Gly2580Val). The glycine residue is highly conserved and there is a moderate physicochemical difference between glycine and valine. This variant is not present in population databases (ExAC no frequency). This variant has not been reported in the literature in individuals with DNAH1-related conditions. Algorithms developed to predict the effect of missense changes on protein structure and function are either unavailable or do not agree on the potential impact of this missense change (SIFT: "Deleterious"; PolyPhen-2: "Probably Damaging"; Align-GVGD: "Class C0"). In summary, the available evidence is currently insufficient to determine the role of this variant in disease. Therefore, it has been classified as a Variant of Uncertain Significance.